The following is an entry in ClinVar:

ClinVar aggregate classification (germline): Uncertain significance (1 of 4 stars; one submission).

Conditions:
Kleefstra syndrome 1 (KLEFS1). Identifiers: Orphanet 261494, MedGen C0795833, MONDO:0027407, OMIM 610253.

Submission:

Labcorp Genetics (formerly Invitae), Labcorp
Classification: Uncertain significance for Kleefstra syndrome 1. Last evaluated: 2023-10-28. Review status: criteria provided, single submitter. Criteria: Invitae Variant Classification Sherloc (09022015). Collection method: clinical testing. Allele origin: germline.
Comment: This sequence change replaces asparagine, which is neutral and polar, with lysine, which is basic and polar, at codon 128 of the EHMT1 protein (p.Asn128Lys). This variant is not present in population databases (gnomAD no frequency). This variant has not been reported in the literature in individuals affected with EHMT1-related conditions. An algorithm developed to predict the effect of missense changes on protein structure and function (PolyPhen-2) suggests that this variant is likely to be tolerated. In summary, the available evidence is currently insufficient to determine the role of this variant in disease. Therefore, it has been classified as a Variant of Uncertain Significance.

NM_024757.5(EHMT1):c.384T>G (p.Asn128Lys)

Gene: EHMT1 (euchromatic histone lysine methyltransferase 1; plus strand). Cytogenetic location: 9q34.3.
Variant type: single nucleotide variant.
Coding change: c.384T>G on transcript NM_024757.5 (MANE Select); coding-DNA position 384, T replaced by G.
Protein change: p.Asn128Lys; replaces asparagine 128 with lysine.
Molecular consequence: missense variant.
Genome position (GRCh38, 1-based): chr9:137,716,924, T>G. VCF-style: chr9-137716924-T-G. GRCh37 (hg19) VCF-style: chr9-140611376-T-G.
Other names: c.384T>G, p.Asn128Lys (NM_001145527.2, NM_001354263.2, NM_001354611.2); c.291T>G, p.Asn97Lys (NM_001354259.2, NM_001354612.2); short protein forms N128K, N97K.
Identifiers: ClinVar variation 2772509 (VCV002772509.3), dbSNP rs1249050431, ClinGen allele CA375764770.